The following is an entry in ClinVar:

ClinVar aggregate classification (germline): Uncertain significance (1 of 4 stars; one submission).

Submission:

Labcorp Genetics (formerly Invitae), Labcorp
Classification: Uncertain significance. Last evaluated: 2026-01-25. Review status: criteria provided, single submitter. Criteria: Invitae Variant Classification Sherloc (09022015). Collection method: clinical testing. Allele origin: germline.
Comment: This variant, c.564_566dup, results in the insertion of 1 amino acid(s) of the MRAS protein (p.Lys189dup), but otherwise preserves the integrity of the reading frame. This variant is present in population databases (rs755562045, gnomAD 0.0009%). This variant has not been reported in the literature in individuals affected with MRAS-related conditions. In summary, the available evidence is currently insufficient to determine the role of this variant in disease. Therefore, it has been classified as a Variant of Uncertain Significance.

NM_001085049.3(MRAS):c.552GAA[6] (p.Lys189_Thr190insLys)

Gene: MRAS (muscle RAS oncogene homolog; plus strand). Cytogenetic location: 3q22.3.
Variant type: Microsatellite.
Coding change: c.552GAA[6] on transcript NM_001085049.3 (MANE Select); six copies in a row of the 3-base unit GAA starting at c.552; the reference has five copies in a row; one copy, 3 bases duplicated.
Protein change: p.Lys189_Thr190insLys.
Molecular consequence: inframe insertion.
Genome position (GRCh38, 1-based): chr3:138,402,206-138,402,208, GAA duplicated; duplicating any 3 consecutive bases within chr3:138,402,193-138,402,208 gives the same sequence; the position shown is the placement nearest the transcript's 3' end. VCF-style (leftmost placement, unchanged base first): chr3-138402192-C-CAGA. GRCh37 (hg19) VCF-style: chr3-138121034-C-CAGA.
Other names: c.552GAA[6], p.Lys189_Thr190insLys (NM_001252090.2, NM_012219.4); c.324GAA[6], p.Lys113_Thr114insLys (NM_001252091.1, NM_001252092.2, NM_001252093.2).
Identifiers: ClinVar variation 3617742 (VCV003617742.2).